The following is an entry in ClinVar:

NM_004608.4(TBX6):c.581G>A (p.Arg194His)

Gene: TBX6 (T-box transcription factor 6; minus strand). Cytogenetic location: 16p11.2.
Variant type: single nucleotide variant.
Coding change: c.581G>A on transcript NM_004608.4 (MANE Select); coding-DNA position 581, G replaced by A.
Protein change: p.Arg194His; replaces arginine 194 with histidine.
Molecular consequence: missense variant.
Genome position (GRCh38, 1-based): chr16:30,088,983, C>T on the plus strand (G>A on the coding strand, the complement: TBX6 is on the minus strand). VCF-style: chr16-30088983-C-T. GRCh37 (hg19) VCF-style: chr16-30100304-C-T.
Other names: short protein forms R194H.
Identifiers: ClinVar variation 3377756 (VCV003377756.2).

ClinVar aggregate classification (germline): Uncertain significance. Review status: criteria provided, multiple submitters, no conflicts (2 of 4 stars). 2 submissions from 2 submitters: Uncertain significance (2). Last evaluated 2025-08-14.

Conditions:
Spondylocostal dysostosis 5 (SCDO5). Also called: SCOLIOSIS, CONGENITAL, WITH OR WITHOUT RIB ANOMALIES. Identifiers: MedGen C4083048, MONDO:0007389, OMIM 122600.

Submissions (2):

Labcorp Genetics (formerly Invitae), Labcorp
Classification: Uncertain significance. Last evaluated: 2025-08-14. Review status: criteria provided, single submitter. Criteria: Invitae Variant Classification Sherloc (09022015). Collection method: clinical testing. Allele origin: germline.
Comment: This sequence change replaces arginine, which is basic and polar, with histidine, which is basic and polar, at codon 194 of the TBX6 protein (p.Arg194His). This variant is not present in population databases (gnomAD no frequency). This variant has not been reported in the literature in individuals affected with TBX6-related conditions. ClinVar contains an entry for this variant (Variation ID: 3377756). Invitae Evidence Modeling of protein sequence and biophysical properties (such as structural, functional, and spatial information, amino acid conservation, physicochemical variation, residue mobility, and thermodynamic stability) indicates that this missense variant is not expected to disrupt TBX6 protein function with a negative predictive value of 80%. In summary, the available evidence is currently insufficient to determine the role of this variant in disease. Therefore, it has been classified as a Variant of Uncertain Significance.

Neuberg Centre For Genomic Medicine, NCGM
Classification: Uncertain significance for Spondylocostal dysostosis 5. Review status: criteria provided, single submitter. Criteria: ACMG Guidelines, 2015. Collection method: clinical testing. Allele origin: germline. Inheritance: Autosomal recessive inheritance. Affected: yes.
Comment: The observed missense variant c.581G>A(p.Arg194His) in the TBX6 gene has not been reported previously as a pathogenic variant nor as a benign variant, to our knowledge. This variant is absent in the gnomAD Exomes. The amino acid Arg at position 194 is changed to a His changing protein sequence and it might alter its composition and physico-chemical properties. Multiple lines of computational evidence (Polyphen - Possibly Damaging, SIFT - Damaging and MutationTaster - Disease causing) predict a damaging effect on protein structure and function for this variant. The residue is conserved by GERP++ and PhyloP across 100 vertebrates. For these reasons, this variant has been classified as Uncertain Significance. This variant is present in the position which is overlapping with the CNV and hence zygosity is homozygous.